The following is an entry in ClinVar:

ClinVar aggregate classification (germline): Uncertain significance (1 of 4 stars; one submission).

Conditions:
Cardiovascular phenotype. Identifiers: MedGen CN230736.

Allele frequency attached by ClinVar (database versions not stated): gnomAD 0.00001; gnomAD exomes 0.00001; TOPMed 0.00001.
gnomAD v4.1: 10 of 1,607,914 alleles (0.00062%); highest among the groups gnomAD compares: Non-Finnish European, 0.00085%; no homozygotes.

Submission:

Ambry Genetics
Classification: Uncertain significance for Cardiovascular phenotype. Last evaluated: 2023-06-09. Review status: criteria provided, single submitter. Criteria: Ambry Variant Classification Scheme 2023. Collection method: clinical testing. Allele origin: germline.
Comment: The p.A110S variant (also known as c.328G>T), located in coding exon 2 of the JUP gene, results from a G to T substitution at nucleotide position 328. The alanine at codon 110 is replaced by serine, an amino acid with similar properties. This amino acid position is conserved. In addition, this alteration is predicted to be tolerated by in silico analysis. Since supporting evidence is limited at this time, the clinical significance of this alteration remains unclear.

NM_002230.4(JUP):c.328G>T (p.Ala110Ser)

Gene: JUP (junction plakoglobin; minus strand). Cytogenetic location: 17q21.2.
Variant type: single nucleotide variant.
Coding change: c.328G>T on transcript NM_002230.4 (MANE Select); coding-DNA position 328, G replaced by T.
Protein change: p.Ala110Ser; replaces alanine 110 with serine.
Molecular consequence: missense variant.
Genome position (GRCh38, 1-based): chr17:41,769,558, C>A on the plus strand (G>T on the coding strand, the complement: JUP is on the minus strand). VCF-style: chr17-41769558-C-A. GRCh37 (hg19) VCF-style: chr17-39925810-C-A.
Other names: c.328G>T, p.Ala110Ser (NM_001352773.2, NM_001352774.2, NM_001352775.2 and 3 more transcripts); short protein forms A110S.
Identifiers: ClinVar variation 2563210 (VCV002563210.2), dbSNP rs1916275770, ClinGen allele CA399505428.